The following is an entry in ClinVar:

NM_004360.5(CDH1):c.1137+10T>C

Gene: CDH1 (cadherin 1; plus strand). Cytogenetic location: 16q22.1.
Variant type: single nucleotide variant.
Coding change: c.1137+10T>C on transcript NM_004360.5 (MANE Select); 10 bases into the intron after coding-DNA position 1137, T replaced by C.
Molecular consequence: intron variant.
Genome position (GRCh38, 1-based): chr16:68,812,273, T>C. VCF-style: chr16-68812273-T-C. GRCh37 (hg19) VCF-style: chr16-68846176-T-C.
Other names: c.1137+10T>C (LRG_301t1, NM_001317184.2); c.-479+10T>C (NM_001317185.2); c.-683+10T>C (NM_001317186.2).
Identifiers: ClinVar variation 532497 (VCV000532497.10), dbSNP rs1555515772, ClinGen allele CA658798622.

ClinVar aggregate classification (germline): Likely benign. Review status: criteria provided, multiple submitters, no conflicts (2 of 4 stars). 2 submissions from 2 submitters: Likely benign (2). Last evaluated 2025-07-24.

Conditions:
Hereditary diffuse gastric adenocarcinoma (HDGC). Also called: DIFFUSE GASTRIC AND LOBULAR BREAST CANCER SYNDROME. Identifiers: Orphanet 26106, MedGen C1708349, MONDO:0007648, OMIM 137215.

Submissions (2):

Labcorp Genetics (formerly Invitae), Labcorp
Classification: Likely benign for Hereditary diffuse gastric adenocarcinoma. Last evaluated: 2025-07-24. Review status: criteria provided, single submitter. Criteria: Invitae Variant Classification Sherloc (09022015). Collection method: clinical testing. Allele origin: germline.

Myriad Genetics, Inc.
Classification: Likely benign for Hereditary diffuse gastric adenocarcinoma. Last evaluated: 2024-09-18. Review status: criteria provided, single submitter. Criteria: Myriad Autosomal Dominant, Autosomal Recessive and X-Linked Classification Criteria (2023). Collection method: clinical testing. Allele origin: unknown.
Comment: This variant is considered likely benign. This variant is intronic and is not expected to impact mRNA splicing.